The following is an entry in ClinVar:

NM_001122630.2(CDKN1C):c.193_200dup (p.Gln67fs)

Gene: CDKN1C (cyclin dependent kinase inhibitor 1C; minus strand). Cytogenetic location: 11p15.4.
Variant type: Duplication.
Coding change: c.193_200dup on transcript NM_001122630.2 (MANE Select); coding-DNA positions 193 to 200, 8 bases duplicated (CGCCTGCA; older notation c.193_200dupCGCCTGCA).
Protein change: p.Gln67fs; shifts the reading frame from glutamine 67.
Molecular consequence: frameshift variant.
Genome position (GRCh38, 1-based): chr11:2,885,257-2,885,264, TGCAGGCG duplicated on the plus strand (CGCCTGCA on the coding strand, the reverse complement: CDKN1C is on the minus strand); duplicating any 8 consecutive bases within chr11:2,885,257-2,885,265 gives the same sequence; the c. name uses the placement nearest the transcript's 3' end. VCF-style (leftmost placement, unchanged base first): chr11-2885256-C-CTGCAGGCG. GRCh37 (hg19) VCF-style: chr11-2906486-C-CTGCAGGCG.
Other names: c.226_233dup, p.Gln78fs (NM_000076.2, NM_001362474.2); c.193_200dup, p.Gln67fs (NM_001122631.2, NM_001362475.2); short protein forms Q67fs, Q78fs.
Identifiers: ClinVar variation 1372013 (VCV001372013.6), dbSNP rs2133785723, ClinGen allele CA2573145963.
Genomic context (GRCh38, chr11:2,885,256, plus strand): 5'-CCCCACCTGCACCGTCTCGCGGTAGAACGCGGGCACCGAGTCGCTGTCCACTTCGGTCCA[C>CTGCAGGCG]TGCAGGCGTCCAGGGCCCCGCAGCGGCATGTCCTGCTGGAAGTCGTAATCCCAGCGGTTC-3'

ClinVar aggregate classification (germline): Pathogenic (1 of 4 stars; one submission).

Conditions:
Beckwith-Wiedemann syndrome (BWS). Also called: EMG SYNDROME; Exomphalos macroglossia gigantism syndrome. Identifiers: Orphanet 116, MedGen C0004903, MONDO:0007534, OMIM 130650.

Submission:

Labcorp Genetics (formerly Invitae), Labcorp
Classification: Pathogenic for Beckwith-Wiedemann syndrome. Last evaluated: 2021-08-26. Review status: criteria provided, single submitter. Criteria: Invitae Variant Classification Sherloc (09022015). Collection method: clinical testing. Allele origin: germline.
Comment: This sequence change creates a premature translational stop signal (p.Gln78Hisfs*197) in the CDKN1C gene. It is expected to result in an absent or disrupted protein product. Loss-of-function variants in CDKN1C are known to be pathogenic (PMID: 20503313). This variant is not present in population databases (ExAC no frequency). This variant has not been reported in the literature in individuals affected with CDKN1C-related conditions. For these reasons, this variant has been classified as Pathogenic.

Literature cited by the submitters: PubMed 20503313.